The following is an entry in ClinVar:

ClinVar aggregate classification (germline): Benign (3 of 4 stars; one submission).

Conditions:
Breast-ovarian cancer, familial, susceptibility to, 1 (BROVCA1). Also called: OVARIAN CANCER, SUSCEPTIBILITY TO; BRCA1 Hereditary Breast and Ovarian Cancer. Identifiers: Orphanet 145, MedGen C2676676, MONDO:0011450, OMIM 604370. Disease mechanism: loss of function.

Submission:

Evidence-based Network for the Interpretation of Germline Mutant Alleles (ENIGMA)
Classification: Benign for Breast-ovarian cancer, familial 1. Last evaluated: 2015-01-12. Review status: reviewed by expert panel. Criteria: ENIGMA BRCA1/2 Classification Criteria (2015). Collection method: curation. Allele origin: germline.
Comment: Class 1 not pathogenic based on frequency >1% in an outbred sampleset. Frequency 0.37 (African), derived from 1000 genomes (2012-04-30).

NM_007294.3(BRCA1):c.-2617_-2616del

Genes: BRCA1 (BRCA1 DNA repair associated; minus strand), NBR2 (neighbor of BRCA1 lncRNA 2; plus strand). Cytogenetic location: 17q21.31.
Variant type: Deletion.
Coding change: c.-2617_-2616del on transcript NM_007294.3; 2617 bases upstream of the start codon through 2616 bases upstream of the start codon, 2 bases deleted (GT; older notation c.-2617_-2616delGT).
Molecular consequence: intron variant (on NM_001408458.1).
Genome position (GRCh38, 1-based): chr17:43,127,867-43,127,868, AC deleted on the plus strand (GT on the coding strand, the reverse complement: BRCA1 is on the minus strand); deleting any 2 consecutive bases within chr17:43,127,867-43,127,869 gives the same sequence; the c. name uses the placement nearest the transcript's 3' end. VCF-style (leftmost placement, unchanged base first): chr17-43127866-GAC-G. GRCh37 (hg19) VCF-style: chr17-41279883-GAC-G.
Other names: -2498 del2; c.-61-12089_-61-12088del (NM_001408458.1).
Identifiers: ClinVar variation 209596 (VCV000209596.3), dbSNP rs112881775, ClinGen allele CA276565.